The following is an entry in ClinVar:

NM_032634.4(PIGO):c.1391T>G (p.Ile464Ser)

Gene: PIGO (phosphatidylinositol glycan anchor biosynthesis class O; minus strand). Cytogenetic location: 9p13.3.
Variant type: single nucleotide variant.
Coding change: c.1391T>G on transcript NM_032634.4 (MANE Select); coding-DNA position 1391, T replaced by G.
Protein change: p.Ile464Ser; replaces isoleucine 464 with serine.
Molecular consequence: missense variant. On other transcripts: intron variant (2).
Genome position (GRCh38, 1-based): chr9:35,092,496, A>C on the plus strand (T>G on the coding strand, the complement: PIGO is on the minus strand). VCF-style: chr9-35092496-A-C. GRCh37 (hg19) VCF-style: chr9-35092493-A-C.
Other names: c.1391T>G (NM_032634.3); c.1344+47T>G (NM_152850.4, NM_001201484.2); short protein forms I464S.
Identifiers: ClinVar variation 1445600 (VCV001445600.6), dbSNP rs982318294, ClinGen allele CA192711763.

ClinVar aggregate classification (germline): Uncertain significance. Review status: criteria provided, multiple submitters, no conflicts (2 of 4 stars). 2 submissions from 2 submitters: Uncertain significance (2). Last evaluated 2023-11-22.

Conditions:
Hyperphosphatasia with impaired intellectual development syndrome 2. Also called: Hyperphosphatasia with intellectual disability syndrome 2; GLYCOSYLPHOSPHATIDYLINOSITOL BIOSYNTHESIS DEFECT 6. Identifiers: Orphanet 247262, MedGen C3553637, MONDO:0013882, OMIM 614749.
Inborn genetic diseases. Identifiers: MedGen C0950123, MeSH D030342.

Allele frequency attached by ClinVar (database versions not stated): gnomAD exomes below 0.00001.
gnomAD v4.1: 3 of 1,614,238 alleles (0.00019%); highest among the groups gnomAD compares: Non-Finnish European, 0.00017%; no homozygotes.

Submissions (2):

Ambry Genetics
Classification: Uncertain significance for Inborn genetic diseases. Last evaluated: 2023-11-22. Review status: criteria provided, single submitter. Criteria: Ambry Variant Classification Scheme 2023. Collection method: clinical testing. Allele origin: germline.

Labcorp Genetics (formerly Invitae), Labcorp
Classification: Uncertain significance for Hyperphosphatasia with impaired intellectual development syndrome 2. Last evaluated: 2021-09-01. Review status: criteria provided, single submitter. Criteria: Invitae Variant Classification Sherloc (09022015). Collection method: clinical testing. Allele origin: germline.
Comment: This sequence change replaces isoleucine with serine at codon 464 of the PIGO protein (p.Ile464Ser). The isoleucine residue is weakly conserved and there is a large physicochemical difference between isoleucine and serine. This variant is not present in population databases (ExAC no frequency). This variant has not been reported in the literature in individuals affected with PIGO-related conditions. Algorithms developed to predict the effect of missense changes on protein structure and function are either unavailable or do not agree on the potential impact of this missense change (SIFT: "Deleterious"; PolyPhen-2: "Benign"; Align-GVGD: "Class C55"). Algorithms developed to predict the effect of sequence changes on RNA splicing suggest that this variant may create or strengthen a splice site. In summary, the available evidence is currently insufficient to determine the role of this variant in disease. Therefore, it has been classified as a Variant of Uncertain Significance.